The following is an entry in ClinVar:

NM_170606.3(KMT2C):c.1514A>G (p.Asp505Gly)

Gene: KMT2C (lysine methyltransferase 2C; minus strand). Cytogenetic location: 7q36.1.
Variant type: single nucleotide variant.
Coding change: c.1514A>G on transcript NM_170606.3 (MANE Select); coding-DNA position 1514, A replaced by G.
Protein change: p.Asp505Gly; replaces aspartic acid 505 with glycine.
Molecular consequence: missense variant.
Genome position (GRCh38, 1-based): chr7:152,252,046, T>C on the plus strand (A>G on the coding strand, the complement: KMT2C is on the minus strand). VCF-style: chr7-152252046-T-C. GRCh37 (hg19) VCF-style: chr7-151949131-T-C.
Other names: short protein forms D505G.
Identifiers: ClinVar variation 1369669 (VCV001369669.6), dbSNP rs2129166565, ClinGen allele CA370086869.

ClinVar aggregate classification (germline): Uncertain significance (1 of 4 stars; one submission).

gnomAD v4.1: 1 of 1,612,064 alleles (0.000062%); highest among the groups gnomAD compares: South Asian, 0.0011%; no homozygotes.

Submission:

Labcorp Genetics (formerly Invitae), Labcorp
Classification: Uncertain significance. Last evaluated: 2024-04-08. Review status: criteria provided, single submitter. Criteria: Invitae Variant Classification Sherloc (09022015). Collection method: clinical testing. Allele origin: germline.
Comment: This sequence change replaces aspartic acid, which is acidic and polar, with glycine, which is neutral and non-polar, at codon 505 of the KMT2C protein (p.Asp505Gly). This variant is not present in population databases (gnomAD no frequency). This variant has not been reported in the literature in individuals affected with KMT2C-related conditions. ClinVar contains an entry for this variant (Variation ID: 1369669). Advanced modeling of protein sequence and biophysical properties (such as structural, functional, and spatial information, amino acid conservation, physicochemical variation, residue mobility, and thermodynamic stability) performed at Invitae indicates that this missense variant is not expected to disrupt KMT2C protein function with a negative predictive value of 80%. In summary, the available evidence is currently insufficient to determine the role of this variant in disease. Therefore, it has been classified as a Variant of Uncertain Significance.